The following is an entry in ClinVar:

ClinVar aggregate classification (germline): Uncertain significance (1 of 4 stars; one submission).

Conditions:
Multiple endocrine neoplasia type 4. Also called: MULTIPLE ENDOCRINE NEOPLASIA, TYPE IV. Identifiers: Orphanet 276152, MedGen C1970712, MONDO:0012552, OMIM 610755.

Submission:

Labcorp Genetics (formerly Invitae), Labcorp
Classification: Uncertain significance for Multiple endocrine neoplasia type 4. Last evaluated: 2022-08-27. Review status: criteria provided, single submitter. Criteria: Invitae Variant Classification Sherloc (09022015). Collection method: clinical testing. Allele origin: germline.
Comment: This variant is not present in population databases (gnomAD no frequency). This sequence change replaces glutamine, which is neutral and polar, with proline, which is neutral and non-polar, at codon 147 of the CDKN1B protein (p.Gln147Pro). This variant has not been reported in the literature in individuals affected with CDKN1B-related conditions. In summary, the available evidence is currently insufficient to determine the role of this variant in disease. Therefore, it has been classified as a Variant of Uncertain Significance. Algorithms developed to predict the effect of missense changes on protein structure and function output the following: SIFT: "Deleterious"; PolyPhen-2: "Benign"; Align-GVGD: "Class C0". The proline amino acid residue is found in multiple mammalian species, which suggests that this missense change does not adversely affect protein function.

NM_004064.5(CDKN1B):c.440A>C (p.Gln147Pro)

Gene: CDKN1B (cyclin dependent kinase inhibitor 1B; plus strand). Cytogenetic location: 12p13.1.
Variant type: single nucleotide variant.
Coding change: c.440A>C on transcript NM_004064.5 (MANE Select); coding-DNA position 440, A replaced by C.
Protein change: p.Gln147Pro; replaces glutamine 147 with proline.
Molecular consequence: missense variant.
Genome position (GRCh38, 1-based): chr12:12,718,279, A>C. VCF-style: chr12-12718279-A-C. GRCh37 (hg19) VCF-style: chr12-12871213-A-C.
Other names: short protein forms Q147P.
Identifiers: ClinVar variation 1718101 (VCV001718101.5), dbSNP rs1946499421, ClinGen allele CA383970792.
Genomic context (GRCh38, chr12:12,718,279, plus strand): 5'-ACACGCATTTGGTGGACCCAAAGACTGATCCGTCGGACAGCCAGACGGGGTTAGCGGAGC[A>C]ATGCGCAGGAATAAGGAAGCGACCTGCAACCGACGGTAATGACCCTTTCCCAACCATAGA-3'
Protein context (NP_004055.1, residues 137-157): PSDSQTGLAE[Gln147Pro]CAGIRKRPAT